The following is an entry in ClinVar:

ClinVar aggregate classification (germline): Uncertain significance. Review status: criteria provided, multiple submitters, no conflicts (2 of 4 stars). 6 submissions from 6 submitters: Uncertain significance (6). Last evaluated 2025-08-26.

Conditions:
Hereditary cancer-predisposing syndrome. Also called: Neoplastic Syndromes, Hereditary; Tumor predisposition; Hereditary Cancer Syndrome; Hereditary neoplastic syndrome. Identifiers: Orphanet 140162, MedGen C0027672, MeSH D009386, MONDO:0015356.
Lynch syndrome. Identifiers: Orphanet 144, MedGen C4552100, MONDO:0005835. Disease mechanism: loss of function.
Hereditary nonpolyposis colorectal neoplasms. Identifiers: MedGen C0009405, MeSH D003123.
Endometrial carcinoma. Also called: Endometrial carcinoma, somatic. Identifiers: MedGen C0476089, MONDO:0002447, OMIM 608089, HP:0012114.

Allele frequency attached by ClinVar (database versions not stated): TOPMed 0.00001.

Submissions (6):

Ambry Genetics
Classification: Uncertain significance for Hereditary cancer-predisposing syndrome. Last evaluated: 2025-08-26. Review status: criteria provided, single submitter. Criteria: Ambry Variant Classification Scheme 2023. Collection method: clinical testing. Allele origin: germline.
Comment: The p.R302I variant (also known as c.905G>T), located in coding exon 4 of the MSH6 gene, results from a G to T substitution at nucleotide position 905. The arginine at codon 302 is replaced by isoleucine, an amino acid with similar properties. This amino acid position is not well conserved in available vertebrate species. In addition, the in silico prediction for this alteration is inconclusive. Based on the available evidence, the clinical significance of this variant remains unclear.

Labcorp Genetics (formerly Invitae), Labcorp
Classification: Uncertain significance for Hereditary nonpolyposis colorectal neoplasms. Last evaluated: 2024-11-27. Review status: criteria provided, single submitter. Criteria: Invitae Variant Classification Sherloc (09022015). Collection method: clinical testing. Allele origin: germline.
Comment: This sequence change replaces arginine, which is basic and polar, with isoleucine, which is neutral and non-polar, at codon 302 of the MSH6 protein (p.Arg302Ile). This variant is not present in population databases (gnomAD no frequency). This variant has not been reported in the literature in individuals affected with MSH6-related conditions. ClinVar contains an entry for this variant (Variation ID: 231964). Invitae Evidence Modeling of protein sequence and biophysical properties (such as structural, functional, and spatial information, amino acid conservation, physicochemical variation, residue mobility, and thermodynamic stability) indicates that this missense variant is not expected to disrupt MSH6 protein function with a negative predictive value of 95%. In summary, the available evidence is currently insufficient to determine the role of this variant in disease. Therefore, it has been classified as a Variant of Uncertain Significance.

Color Diagnostics, LLC DBA Color Health
Classification: Uncertain significance for Hereditary cancer-predisposing syndrome. Last evaluated: 2024-09-24. Review status: criteria provided, single submitter. Criteria: ACMG Guidelines, 2015. Collection method: clinical testing. Allele origin: germline.
Comment: This missense variant replaces arginine with isoleucine at codon 302 of the MSH6 protein. Computational prediction suggests that this variant may not impact protein structure and function (internally defined REVEL score threshold <= 0.5, PMID: 27666373). To our knowledge, functional studies have not been reported for this variant. This variant has not been reported in individuals affected with MSH6-related disorders in the literature. This variant has not been identified in the general population by the Genome Aggregation Database (gnomAD). The available evidence is insufficient to determine the role of this variant in disease conclusively. Therefore, this variant is classified as a Variant of Uncertain Significance.

Baylor Genetics
Classification: Uncertain significance for Endometrial carcinoma. Last evaluated: 2024-03-25. Review status: criteria provided, single submitter. Criteria: ACMG Guidelines, 2015. Collection method: clinical testing. Allele origin: unknown.

All of Us Research Program, National Institutes of Health
Classification: Uncertain significance for Lynch syndrome. Last evaluated: 2024-03-05. Review status: criteria provided, single submitter. Criteria: ACMG Guidelines, 2015. Collection method: clinical testing. Allele origin: germline. Inheritance: Autosomal dominant inheritance. Observed: 1 variant allele, 1 heterozygote.
Comment: This study involves interpretation of variants in research participants for the purpose of population health screening. Participant phenotype was not available at the time of variant classification. Additional details can be found in publication PMID: 35346344, PMCID: PMC8962531

GeneDx
Classification: Uncertain significance. Last evaluated: 2021-10-28. Review status: criteria provided, single submitter. Criteria: GeneDx Variant Classification Process June 2021. Collection method: clinical testing. Allele origin: germline. Affected: yes.
Comment: Not observed at significant frequency in large population cohorts (Lek 2016); In silico analysis supports that this missense variant does not alter protein structure/function; Has not been previously published as pathogenic or benign to our knowledge

NM_000179.3(MSH6):c.905G>T (p.Arg302Ile)

Gene: MSH6 (mutS homolog 6; plus strand). Cytogenetic location: 2p16.3.
Variant type: single nucleotide variant.
Coding change: c.905G>T on transcript NM_000179.3 (MANE Select); coding-DNA position 905, G replaced by T.
Protein change: p.Arg302Ile; replaces arginine 302 with isoleucine.
Molecular consequence: missense variant. On other transcripts: 5 prime UTR variant (9), non-coding transcript variant (4), intron variant (1).
Genome position (GRCh38, 1-based): chr2:47,798,888, G>T. VCF-style: chr2-47798888-G-T. GRCh37 (hg19) VCF-style: chr2-48026027-G-T.
Other names: c.515G>T, p.Arg172Ile (NM_001281492.2); c.-2G>T (NM_001281493.2, NM_001281494.2, NM_001406811.1 and 6 more transcripts); c.1001G>T, p.Arg334Ile (NM_001406795.1, NM_001406802.1); c.905G>T, p.Arg302Ile (NM_001406796.1, NM_001406798.1, NM_001406800.1 and 4 more transcripts); c.608G>T, p.Arg203Ile (NM_001406797.1, NM_001406801.1, NM_001406805.1 and 10 more transcripts); c.380G>T, p.Arg127Ile (NM_001406799.1, NM_001406806.1, NM_001406807.1); c.827G>T, p.Arg276Ile (NM_001406804.1); c.911G>T, p.Arg304Ile (NM_001406813.1); and 2 more; short protein forms R302I, R172I, R127I, R203I, R246I, R276I, R304I, R334I.
Identifiers: ClinVar variation 231964 (VCV000231964.20), dbSNP rs587781510, ClinGen allele CA10578051.
Genomic context (GRCh38, chr2:47,798,888, plus strand): 5'-TGGGGGATAGTGAGAGTGAAGGCCTGAACAGCCCTGTCAAAGTTGCTCGAAAGCGGAAGA[G>T]AATGGTGACTGGAAATGGCTCTCTTAAAAGGAAAAGCTCTAGGAAGGAAACGCCCTCAGC-3'
Protein context (NP_000170.1, residues 292-312): SPVKVARKRK[Arg302Ile]MVTGNGSLKR